The following is an entry in ClinVar:

ClinVar aggregate classification (germline): Uncertain significance. Review status: criteria provided, multiple submitters, no conflicts (2 of 4 stars). 2 submissions from 2 submitters: Uncertain significance (2). Last evaluated 2026-01-06.

Allele frequency attached by ClinVar (database versions not stated): gnomAD 0.00003; gnomAD exomes 0.00003 and 0.00005; ExAC 0.00007; TOPMed 0.00009; 1000 Genomes Project 30x 0.00016.
gnomAD v4.1: 50 of 1,613,986 alleles (0.0031%); highest among the groups gnomAD compares: Admixed American, 0.023%; no homozygotes.

Submissions (2):

Labcorp Genetics (formerly Invitae), Labcorp
Classification: Uncertain significance. Last evaluated: 2026-01-06. Review status: criteria provided, single submitter. Criteria: Invitae Variant Classification Sherloc (09022015). Collection method: clinical testing. Allele origin: germline.
Comment: This sequence change replaces valine, which is neutral and non-polar, with methionine, which is neutral and non-polar, at codon 209 of the LRRC8A protein (p.Val209Met). This variant is present in population databases (rs753358771, gnomAD 0.03%). This variant has not been reported in the literature in individuals affected with LRRC8A-related conditions. ClinVar contains an entry for this variant (Variation ID: 1365796). An algorithm developed to predict the effect of missense changes on protein structure and function outputs the following: PolyPhen-2: "Benign". The methionine amino acid residue is found in multiple mammalian species, which suggests that this missense change does not adversely affect protein function. In summary, the available evidence is currently insufficient to determine the role of this variant in disease. Therefore, it has been classified as a Variant of Uncertain Significance.

Ambry Genetics
Classification: Uncertain significance. Last evaluated: 2025-11-27. Review status: criteria provided, single submitter. Criteria: Ambry Variant Classification Scheme 2023. Collection method: clinical testing. Allele origin: germline.

NM_019594.4(LRRC8A):c.625G>A (p.Val209Met)

Gene: LRRC8A (leucine rich repeat containing 8 VRAC subunit A; plus strand). Cytogenetic location: 9q34.11.
Variant type: single nucleotide variant.
Coding change: c.625G>A on transcript NM_019594.4 (MANE Select); coding-DNA position 625, G replaced by A.
Protein change: p.Val209Met; replaces valine 209 with methionine.
Molecular consequence: missense variant.
Genome position (GRCh38, 1-based): chr9:128,907,789, G>A. VCF-style: chr9-128907789-G-A. GRCh37 (hg19) VCF-style: chr9-131670068-G-A.
Other names: c.625G>A, p.Val209Met (NM_001127244.2, NM_001127245.2); c.625G>A (NM_001127244.1); short protein forms V209M.
Identifiers: ClinVar variation 1365796 (VCV001365796.10), dbSNP rs753358771, ClinGen allele CA5270744.